The following is an entry in ClinVar:

NM_032603.5(LOXL3):c.1616A>G (p.Gln539Arg)

Gene: LOXL3 (lysyl oxidase like 3; minus strand). Cytogenetic location: 2p13.1.
Variant type: single nucleotide variant.
Coding change: c.1616A>G on transcript NM_032603.5 (MANE Select); coding-DNA position 1616, A replaced by G.
Protein change: p.Gln539Arg; replaces glutamine 539 with arginine.
Molecular consequence: missense variant.
Genome position (GRCh38, 1-based): chr2:74,534,738, T>C on the plus strand (A>G on the coding strand, the complement: LOXL3 is on the minus strand). VCF-style: chr2-74534738-T-C. GRCh37 (hg19) VCF-style: chr2-74761865-T-C.
Other names: c.1181A>G, p.Gln394Arg (NM_001289164.3); c.533A>G, p.Gln178Arg (NM_001289165.2); short protein forms Q178R, Q394R, Q539R.
Identifiers: ClinVar variation 2417730 (VCV002417730.5), dbSNP rs1558617608, ClinGen allele CA347386460.

ClinVar aggregate classification (germline): Uncertain significance (1 of 4 stars; one submission).

gnomAD v4.1: 1 of 1,614,102 alleles (0.000062%); no homozygotes.

Submission:

Labcorp Genetics (formerly Invitae), Labcorp
Classification: Uncertain significance. Last evaluated: 2025-12-08. Review status: criteria provided, single submitter. Criteria: Invitae Variant Classification Sherloc (09022015). Collection method: clinical testing. Allele origin: germline.
Comment: This sequence change replaces glutamine, which is neutral and polar, with arginine, which is basic and polar, at codon 539 of the LOXL3 protein (p.Gln539Arg). This variant is not present in population databases (gnomAD no frequency). This variant has not been reported in the literature in individuals affected with LOXL3-related conditions. ClinVar contains an entry for this variant (Variation ID: 2417730). An algorithm developed to predict the effect of missense changes on protein structure and function (PolyPhen-2) suggests that this variant is likely to be disruptive. In summary, the available evidence is currently insufficient to determine the role of this variant in disease. Therefore, it has been classified as a Variant of Uncertain Significance.